The following is an entry in ClinVar:

ClinVar aggregate classification (germline): Uncertain significance. Review status: criteria provided, multiple submitters, no conflicts (2 of 4 stars). 4 submissions from 4 submitters: Uncertain significance (4). Last evaluated 2025-10-06.

Conditions:
Hereditary cancer-predisposing syndrome. Also called: Hereditary neoplastic syndrome; Tumor predisposition; Neoplastic Syndromes, Hereditary; Hereditary Cancer Syndrome. Identifiers: Orphanet 140162, MedGen C0027672, MeSH D009386, MONDO:0015356.
Familial cancer of breast. Also called: hereditary breast carcinoma; BREAST CANCER, FAMILIAL; Hereditary breast cancer. Identifiers: Orphanet 227535, MedGen C0346153, MONDO:0016419, OMIM 114480. Disease mechanism: loss of function.

Submissions (4):

Ambry Genetics
Classification: Uncertain significance for Hereditary cancer-predisposing syndrome. Last evaluated: 2025-10-06. Review status: criteria provided, single submitter. Criteria: Ambry Variant Classification Scheme 2023. Collection method: clinical testing. Allele origin: germline.
Comment: The p.D42H variant (also known as c.124G>C), located in coding exon 1 of the BARD1 gene, results from a G to C substitution at nucleotide position 124. The aspartic acid at codon 42 is replaced by histidine, an amino acid with similar properties. This amino acid position is not well conserved in available vertebrate species. In addition, this alteration is predicted to be tolerated by in silico analysis. Since supporting evidence is limited at this time, the clinical significance of this alteration remains unclear.

Labcorp Genetics (formerly Invitae), Labcorp
Classification: Uncertain significance for Familial cancer of breast. Last evaluated: 2024-11-26. Review status: criteria provided, single submitter. Criteria: Invitae Variant Classification Sherloc (09022015). Collection method: clinical testing. Allele origin: germline.
Comment: This sequence change replaces aspartic acid, which is acidic and polar, with histidine, which is basic and polar, at codon 42 of the BARD1 protein (p.Asp42His). This variant is not present in population databases (gnomAD no frequency). This variant has not been reported in the literature in individuals affected with BARD1-related conditions. ClinVar contains an entry for this variant (Variation ID: 571497). An algorithm developed to predict the effect of missense changes on protein structure and function (PolyPhen-2) suggests that this variant is likely to be tolerated. In summary, the available evidence is currently insufficient to determine the role of this variant in disease. Therefore, it has been classified as a Variant of Uncertain Significance.

Fulgent Genetics
Classification: Uncertain significance for Familial cancer of breast. Last evaluated: 2024-03-25. Review status: criteria provided, single submitter. Criteria: ACMG Guidelines, 2015. Collection method: clinical testing. Allele origin: germline.

Baylor Genetics
Classification: Uncertain significance for Familial cancer of breast. Last evaluated: 2023-11-28. Review status: criteria provided, single submitter. Criteria: ACMG Guidelines, 2015. Collection method: clinical testing. Allele origin: unknown.

NM_000465.4(BARD1):c.124G>C (p.Asp42His)

Gene: BARD1 (BRCA1 associated RING domain 1; minus strand). Cytogenetic location: 2q35.
Variant type: single nucleotide variant.
Coding change: c.124G>C on transcript NM_000465.4 (MANE Select); coding-DNA position 124, G replaced by C.
Protein change: p.Asp42His; replaces aspartic acid 42 with histidine.
Molecular consequence: missense variant. On other transcripts: non-coding transcript variant (3).
Genome position (GRCh38, 1-based): chr2:214,809,446, C>G on the plus strand (G>C on the coding strand, the complement: BARD1 is on the minus strand). VCF-style: chr2-214809446-C-G. GRCh37 (hg19) VCF-style: chr2-215674170-C-G.
Other names: c.124G>C, p.Asp42His (NM_001282543.2, NM_001282545.2, NM_001282548.2 and 1 more transcripts); short protein forms D42H.
Identifiers: ClinVar variation 571497 (VCV000571497.17), dbSNP rs762894716, ClinGen allele CA350464928.
Genomic context (GRCh38, chr2:214,809,446, plus strand): 5'-CCACCCCCAAGAAGCTCCGTCTTTACCAACGCGAGCAGCGCAGCAGCTTCTCCAGGCGGT[C>G]GAGCGCGGCGCGACTGTGGGCCCAGGCACCGCGACCATCCGGTTCCATGGCGGGCGCGGA-3'
Protein context (NP_000456.2, residues 32-52): GAWAHSRAAL[Asp42His]RLEKLLRCSR